The following is an entry in ClinVar:

ClinVar aggregate classification (germline): Likely benign (1 of 4 stars; one submission).

Allele frequency attached by ClinVar (database versions not stated): 1000 Genomes Project 30x 0.00031; ExAC 0.01127; 1000 Genomes Project 0.01877.

Submission:

CeGaT Center for Human Genetics Tuebingen
Classification: Likely benign. Last evaluated: 2025-01-01. Review status: criteria provided, single submitter. Criteria: CeGaT Center For Human Genetics Tuebingen Variant Classification Criteria Version 2. Collection method: clinical testing. Allele origin: germline. Affected: yes. Observed: 4 variant alleles.
Comment: AHNAK2: BP4, BP7

NM_138420.4(AHNAK2):c.6421C>T (p.Leu2141=)

Gene: AHNAK2 (AHNAK nucleoprotein 2; minus strand). Cytogenetic location: 14q32.33.
Variant type: single nucleotide variant.
Coding change: c.6421C>T on transcript NM_138420.4 (MANE Select); coding-DNA position 6421, C replaced by T.
Protein change: p.Leu2141=; no amino-acid change (leucine 2141 retained).
Molecular consequence: synonymous variant.
Genome position (GRCh38, 1-based): chr14:104,949,030, G>A on the plus strand (C>T on the coding strand, the complement: AHNAK2 is on the minus strand). VCF-style: chr14-104949030-G-A. GRCh37 (hg19) VCF-style: chr14-105415367-G-A.
Other names: c.6121C>T, p.Leu2041= (NM_001350929.2).
Identifiers: ClinVar variation 2644740 (VCV002644740.24), dbSNP rs559211111, ClinGen allele CA7381168.